The following is an entry in ClinVar:

NM_017433.5(MYO3A):c.479C>T (p.Thr160Met)

Gene: MYO3A (myosin IIIA; plus strand). Cytogenetic location: 10p12.1.
Variant type: single nucleotide variant.
Coding change: c.479C>T on transcript NM_017433.5 (MANE Select); coding-DNA position 479, C replaced by T.
Protein change: p.Thr160Met; replaces threonine 160 with methionine.
Molecular consequence: missense variant.
Genome position (GRCh38, 1-based): chr10:25,997,229, C>T. VCF-style: chr10-25997229-C-T. GRCh37 (hg19) VCF-style: chr10-26286158-C-T.
Other names: c.479C>T, p.Thr160Met (NM_001368265.1); c.479C>T (NM_017433.4); short protein forms T160M.
Identifiers: ClinVar variation 1416904 (VCV001416904.7), dbSNP rs200879713, ClinGen allele CA5444318.
Genomic context (GRCh38, chr10:25,997,229, plus strand): 5'-ATTTGCATAACAACAAAACTATCCACAGAGATGTGAAAGGCAATAACATTCTATTGACCA[C>T]GGAAGGTGGAGTGAAACTAGTAGATTTTGGTAAGTTTTGTTTAAAATGCATGAGTTTTAA-3'
Protein context (NP_059129.3, residues 150-170): DVKGNNILLT[Thr160Met]EGGVKLVDFG

ClinVar aggregate classification (germline): Uncertain significance. Review status: criteria provided, multiple submitters, no conflicts (2 of 4 stars). 2 submissions from 2 submitters: Uncertain significance (2). Last evaluated 2026-09-09.

Conditions:
MYO3A-related disorder. Also called: MYO3A-related condition.

Allele frequency attached by ClinVar (database versions not stated): gnomAD exomes 0.00001 and 0.00002; ExAC 0.00002; gnomAD 0.00007; ESP Exome Variant Server 0.00008; TOPMed 0.00011; 1000 Genomes Project 30x 0.00016; 1000 Genomes Project 0.00020.

Submissions (2):

PreventionGenetics, part of Exact Sciences
Classification: Uncertain significance for MYO3A-related condition. Last evaluated: 2026-09-09. Review status: criteria provided, single submitter. Criteria: ACMG Guidelines, 2015. Collection method: clinical testing. Allele origin: germline.
Comment: The MYO3A c.479C>T variant is predicted to result in the amino acid substitution p.Thr160Met. To our knowledge, this variant has not been reported in the literature. This variant is reported in 0.0085% of alleles in individuals of Latino descent in gnomAD. At this time, the clinical significance of this variant is uncertain due to the absence of conclusive functional and genetic evidence.

Labcorp Genetics (formerly Invitae), Labcorp
Classification: Uncertain significance. Last evaluated: 2025-11-22. Review status: criteria provided, single submitter. Criteria: Invitae Variant Classification Sherloc (09022015). Collection method: clinical testing. Allele origin: germline.
Comment: This sequence change replaces threonine, which is neutral and polar, with methionine, which is neutral and non-polar, at codon 160 of the MYO3A protein (p.Thr160Met). This variant is present in population databases (rs200879713, gnomAD 0.009%). This variant has not been reported in the literature in individuals affected with MYO3A-related conditions. ClinVar contains an entry for this variant (Variation ID: 1416904). An algorithm developed to predict the effect of missense changes on protein structure and function (PolyPhen-2) suggests that this variant is likely to be tolerated. In summary, the available evidence is currently insufficient to determine the role of this variant in disease. Therefore, it has been classified as a Variant of Uncertain Significance.